The following is an entry in ClinVar:

NM_015100.4(POGZ):c.1792C>T (p.Arg598Cys)

Gene: POGZ (pogo transposable element derived with ZNF domain; minus strand). Cytogenetic location: 1q21.3.
Variant type: single nucleotide variant.
Coding change: c.1792C>T on transcript NM_015100.4 (MANE Select); coding-DNA position 1792, C replaced by T.
Protein change: p.Arg598Cys; replaces arginine 598 with cysteine.
Molecular consequence: missense variant.
Genome position (GRCh38, 1-based): chr1:151,411,759, G>A on the plus strand (C>T on the coding strand, the complement: POGZ is on the minus strand). VCF-style: chr1-151411759-G-A. GRCh37 (hg19) VCF-style: chr1-151384235-G-A.
Other names: c.1765C>T, p.Arg589Cys (NM_001194937.2); c.1606C>T, p.Arg536Cys (NM_001194938.2); c.1813C>T, p.Arg605Cys (NM_001410860.1); c.1507C>T, p.Arg503Cys (NM_145796.4); c.1633C>T, p.Arg545Cys (NM_207171.2); short protein forms R503C, R536C, R545C, R589C, R598C, R605C.
Identifiers: ClinVar variation 2500406 (VCV002500406.2), dbSNP rs2529275921, ClinGen allele CA341963692.

ClinVar aggregate classification (germline): Uncertain significance (1 of 4 stars; one submission).

Submission:

GeneDx
Classification: Uncertain significance. Last evaluated: 2024-12-26. Review status: criteria provided, single submitter. Criteria: GeneDx Variant Classification Process June 2021. Collection method: clinical testing. Allele origin: germline.
Comment: Not observed at significant frequency in large population cohorts (gnomAD); In silico analysis supports that this missense variant has a deleterious effect on protein structure/function; Has not been previously published as pathogenic or benign to our knowledge